The following is an entry in ClinVar:

NM_024312.5(GNPTAB):c.1031G>A (p.Arg344Gln)

Gene: GNPTAB (N-acetylglucosamine-1-phosphate transferase subunits alpha and beta; minus strand). Cytogenetic location: 12q23.2.
Variant type: single nucleotide variant.
Coding change: c.1031G>A on transcript NM_024312.5 (MANE Select); coding-DNA position 1031, G replaced by A.
Protein change: p.Arg344Gln; replaces arginine 344 with glutamine.
Molecular consequence: missense variant.
Genome position (GRCh38, 1-based): chr12:101,770,488, C>T on the plus strand (G>A on the coding strand, the complement: GNPTAB is on the minus strand). VCF-style: chr12-101770488-C-T. GRCh37 (hg19) VCF-style: chr12-102164266-C-T.
Other names: short protein forms R344Q.
Identifiers: ClinVar variation 1408607 (VCV001408607.6), dbSNP rs1594219189, ClinGen allele CA386303174.

ClinVar aggregate classification (germline): Uncertain significance. Review status: criteria provided, multiple submitters, no conflicts (2 of 4 stars). 2 submissions from 2 submitters: Uncertain significance (2). Last evaluated 2022-10-11.

Conditions:
Mucolipidosis type II. Also called: Mucolipidosis 2; ML 2; Inclusion cell disease; Leroy Disease; N-acetylglucosamine 1phosphotransferase deficiency; ML disorder type 2. Identifiers: Orphanet 576, MedGen C2673377, MONDO:0009650, OMIM 252500.
Pseudo-Hurler polydystrophy. Also called: Mucolipidosis III Alpha/Beta; ML III; ML III ALPHA/BETA; MUCOLIPIDOSIS IIIA; Type III Mucolipidosis; ML IIIA. Identifiers: Orphanet 423461, Orphanet 577, MedGen C0033788, MONDO:0018931, OMIM 252600.

Allele frequency attached by ClinVar (database versions not stated): gnomAD 0.00001; 1000 Genomes Project 30x 0.00016.
gnomAD v4.1: 7 of 1,613,646 alleles (0.00043%); highest among the groups gnomAD compares: Admixed American, 0.0033%; no homozygotes.

Submissions (2):

Blueprint Genetics
Classification: Uncertain significance. Last evaluated: 2022-10-11. Review status: criteria provided, single submitter. Criteria: ACMG Guidelines, 2015. Collection method: clinical testing. Allele origin: germline.

Labcorp Genetics (formerly Invitae), Labcorp
Classification: Uncertain significance for Pseudo-Hurler polydystrophy; Mucolipidosis type II. Last evaluated: 2021-09-17. Review status: criteria provided, single submitter. Criteria: Invitae Variant Classification Sherloc (09022015). Collection method: clinical testing. Allele origin: germline.
Comment: This sequence change replaces arginine with glutamine at codon 344 of the GNPTAB protein (p.Arg344Gln). The arginine residue is highly conserved and there is a small physicochemical difference between arginine and glutamine. This variant is not present in population databases (ExAC no frequency). This variant has not been reported in the literature in individuals affected with GNPTAB-related conditions. Advanced modeling of protein sequence and biophysical properties (such as structural, functional, and spatial information, amino acid conservation, physicochemical variation, residue mobility, and thermodynamic stability) performed at Invitae indicates that this missense variant is expected to disrupt GNPTAB protein function. Algorithms developed to predict the effect of sequence changes on RNA splicing suggest that this variant may create or strengthen a splice site. In summary, the available evidence is currently insufficient to determine the role of this variant in disease. Therefore, it has been classified as a Variant of Uncertain Significance.